The following is an entry in ClinVar:

ClinVar aggregate classification (germline): Likely benign. Review status: criteria provided, single submitter (1 of 4 stars). 2 submissions from 2 submitters: Likely benign (1). 1 of the submissions does not count toward it. Last evaluated 2025-04-01.

Conditions:
Metachromatic leukodystrophy (MLD). Also called: ARSA DEFICIENCY; CEREBROSIDE SULFATASE DEFICIENCY; METACHROMATIC LEUKOENCEPHALOPATHY; SULFATIDE LIPIDOSIS; Cerebral sclerosis diffuse metachromatic form; Arylsulfatase A Deficiency. Identifiers: Orphanet 512, MedGen C0023522, MONDO:0018868, OMIM 250100.
ARSA-related disorder. Also called: ARSA-related condition.

Allele frequency attached by ClinVar (database versions not stated): gnomAD 0.00001; gnomAD exomes 0.00001 and 0.00002; TOPMed 0.00001; ExAC 0.00002.

Submissions (2):

Labcorp Genetics (formerly Invitae), Labcorp
Classification: Likely benign for Metachromatic leukodystrophy. Last evaluated: 2025-04-01. Review status: criteria provided, single submitter. Criteria: Invitae Variant Classification Sherloc (09022015). Collection method: clinical testing. Allele origin: germline.

PreventionGenetics, part of Exact Sciences
Classification: Likely benign for ARSA-related condition. Last evaluated: 2019-03-05. Review status: no assertion criteria provided. Collection method: clinical testing. Allele origin: germline. Not counted in ClinVar's aggregate classification.
Comment: This variant is classified as likely benign based on ACMG/AMP sequence variant interpretation guidelines (Richards et al. 2015 PMID: 25741868, with internal and published modifications).

NM_000487.6(ARSA):c.663C>T (p.Phe221=)

Gene: ARSA (arylsulfatase A; minus strand). Cytogenetic location: 22q13.33.
Variant type: single nucleotide variant.
Coding change: c.663C>T on transcript NM_000487.6 (MANE Select); coding-DNA position 663, C replaced by T.
Protein change: p.Phe221=; no amino-acid change (phenylalanine 221 retained).
Molecular consequence: synonymous variant.
Genome position (GRCh38, 1-based): chr22:50,626,855, G>A on the plus strand (C>T on the coding strand, the complement: ARSA is on the minus strand). VCF-style: chr22-50626855-G-A. GRCh37 (hg19) VCF-style: chr22-51065283-G-A.
Other names: c.663C>T, p.Phe221= (NM_001085425.3, NM_001085426.3, NM_001085427.3); c.405C>T, p.Phe135= (NM_001085428.3, NM_001362782.2).
Identifiers: ClinVar variation 342236 (VCV000342236.16), dbSNP rs754484249, ClinGen allele CA10324951.
Genomic context (GRCh38, chr22:50,626,855, plus strand): 5'-GGTCACGGGCAGCCAGGGGGTTGGGCCAAGATCACTTACGTGAGAGGCATAGTACAGGAA[G>A]AAGGGGCGATCCTGGCGCTGGGCGTCGGCCATGAGGTCATGGGCGAAAGCCATGTAGCGG-3'
Protein context (NP_000478.3, residues 211-231): MADAQRQDRP[Phe221=]FLYYASHHTH